The following is an entry in ClinVar:

ClinVar aggregate classification (germline): Benign (1 of 4 stars; one submission).

Conditions:
Leigh syndrome (NULS). Also called: Leigh's necrotizing encephalopathy; Leigh's disease; Leigh's syndrome; LEIGH SYNDROME, NUCLEAR; Leigh Syndrome (mtDNA deletion); Leigh Disease. Identifiers: Orphanet 506, MedGen C2931891, MONDO:0009723, OMIM 256000.

Submission:

Wong Mito Lab, Molecular and Human Genetics, Baylor College of Medicine
Classification: Benign for Leigh syndrome. Last evaluated: 2019-10-17. Review status: criteria provided, single submitter. Criteria: Modified ACMG Guidelines (Unpublished). Collection method: clinical testing. Allele origin: germline.
Comment: The NC_012920.1:m.15860A>G (YP_003024038.1:p.Ile372Val) variant in MTCYB gene is interpretated to be a Benign variant based on the modified ACMG guidelines (unpublished). This variant meets the following evidence codes: BS1, BS2

NC_012920.1(MT-CYB):m.15860A>G

Gene: MT-CYB (mitochondrially encoded cytochrome b; plus strand).
Variant type: single nucleotide variant.
Genome position: chrM-15860-A-G.
Identifiers: ClinVar variation 693970 (VCV000693970.1), dbSNP rs201023973, ClinGen allele CA337100550.